The following is an entry in ClinVar:

NM_015450.3(POT1):c.841del (p.Ser281fs)

Gene: POT1 (protection of telomeres 1; minus strand). Cytogenetic location: 7q31.33.
Variant type: Deletion.
Coding change: c.841del on transcript NM_015450.3 (MANE Select); coding-DNA position 841, one base deleted (A; older notation c.841delA).
Protein change: p.Ser281fs; shifts the reading frame from serine 281.
Molecular consequence: frameshift variant. On other transcripts: non-coding transcript variant (3).
Genome position (GRCh38, 1-based): chr7:124,853,000, T deleted on the plus strand (A on the coding strand, the reverse complement: POT1 is on the minus strand); the first of 3 consecutive T bases (chr7:124,853,000-124,853,002); deleting any one gives the same sequence. VCF-style (leftmost placement, unchanged base first): chr7-124852999-CT-C. GRCh37 (hg19) VCF-style: chr7-124493053-CT-C.
Other names: c.448del, p.Ser150fs (NM_001042594.2); short protein forms S150fs, S281fs.
Identifiers: ClinVar variation 4862380 (VCV004862380.1).

ClinVar aggregate classification (germline): Pathogenic (1 of 4 stars; one submission).

Conditions:
Hereditary cancer-predisposing syndrome. Also called: Neoplastic Syndromes, Hereditary; Tumor predisposition; Hereditary Cancer Syndrome; Hereditary neoplastic syndrome. Identifiers: Orphanet 140162, MedGen C0027672, MeSH D009386, MONDO:0015356.

Submission:

Ambry Genetics
Classification: Pathogenic for Hereditary cancer-predisposing syndrome. Last evaluated: 2026-03-25. Review status: criteria provided, single submitter. Criteria: Ambry Variant Classification Scheme 2023. Collection method: clinical testing. Allele origin: germline.
Comment: The c.841delA pathogenic mutation, located in coding exon 6 of the POT1 gene, results from a deletion of one nucleotide at nucleotide position 841, causing a translational frameshift with a predicted alternate stop codon (p.S281Vfs*8). This variant is considered to be rare based on population cohorts in the Genome Aggregation Database (gnomAD). This alteration is expected to result in loss of function by premature protein truncation or nonsense-mediated mRNA decay. As such, this alteration is interpreted as a disease-causing mutation.